The following is an entry in ClinVar:

NM_000548.5(TSC2):c.2861A>G (p.Lys954Arg)

Gene: TSC2 (TSC complex subunit 2; plus strand). Cytogenetic location: 16p13.3.
Variant type: single nucleotide variant.
Coding change: c.2861A>G on transcript NM_000548.5 (MANE Select); coding-DNA position 2861, A replaced by G.
Protein change: p.Lys954Arg; replaces lysine 954 with arginine.
Molecular consequence: missense variant. On other transcripts: intron variant (9).
Genome position (GRCh38, 1-based): chr16:2,077,621, A>G. VCF-style: chr16-2077621-A-G. GRCh37 (hg19) VCF-style: chr16-2127622-A-G.
Other names: c.2861A>G, p.Lys954Arg (NM_001114382.3); c.2837+1036A>G (NM_021055.3, NM_001370405.1, NM_001363528.2 and 2 more transcripts); c.2726+1036A>G (NM_001318827.2); c.2237+1036A>G (NM_001318831.2); c.2690+1036A>G (NM_001318829.2); c.2870+1036A>G (NM_001318832.2); short protein forms K954R.
Identifiers: ClinVar variation 65263 (VCV000065263.13), dbSNP rs397515191, ClinGen allele CA018289.

ClinVar aggregate classification (germline): Uncertain significance. Review status: criteria provided, multiple submitters, no conflicts (2 of 4 stars). 4 submissions from 4 submitters: Uncertain significance (3). 1 of the submissions does not count toward it. Last evaluated 2025-09-01.

Conditions:
Hereditary cancer-predisposing syndrome. Also called: Tumor predisposition; Hereditary Cancer Syndrome; Neoplastic Syndromes, Hereditary; Hereditary neoplastic syndrome. Identifiers: Orphanet 140162, MedGen C0027672, MeSH D009386, MONDO:0015356.
Autism spectrum disorder. Also called: Autism spectrum disorders. Identifiers: MedGen C1510586, MeSH D000067877, MONDO:0005258.
Tuberous sclerosis 2 (TSC2). Identifiers: Orphanet 805, MedGen C1860707, MONDO:0013199, OMIM 613254.

Allele frequency attached by ClinVar (database versions not stated): gnomAD exomes below 0.00001; gnomAD 0.00001; TOPMed 0.00001.
gnomAD v4.1: 2 of 1,613,098 alleles (0.00012%); highest among the groups gnomAD compares: African/African-American, 0.0013%; no homozygotes.

Submissions (4):

Labcorp Genetics (formerly Invitae), Labcorp
Classification: Uncertain significance for Tuberous sclerosis 2. Last evaluated: 2025-09-01. Review status: criteria provided, single submitter. Criteria: Invitae Variant Classification Sherloc (09022015). Collection method: clinical testing. Allele origin: germline.
Comment: This sequence change replaces lysine, which is basic and polar, with arginine, which is basic and polar, at codon 954 of the TSC2 protein (p.Lys954Arg). This variant is not present in population databases (gnomAD no frequency). This missense change has been observed in individual(s) with autism spectrum disorder (ASD) (PMID: 23514105). ClinVar contains an entry for this variant (Variation ID: 65263). Invitae Evidence Modeling of protein sequence and biophysical properties (such as structural, functional, and spatial information, amino acid conservation, physicochemical variation, residue mobility, and thermodynamic stability) indicates that this missense variant is not expected to disrupt TSC2 protein function with a negative predictive value of 95%. In summary, the available evidence is currently insufficient to determine the role of this variant in disease. Therefore, it has been classified as a Variant of Uncertain Significance.

Ambry Genetics
Classification: Uncertain significance for Hereditary cancer-predisposing syndrome. Last evaluated: 2025-08-08. Review status: criteria provided, single submitter. Criteria: Ambry Variant Classification Scheme 2023. Collection method: clinical testing. Allele origin: germline.
Comment: The p.K954R variant (also known as c.2861A>G), located in coding exon 25 of the TSC2 gene, results from an A to G substitution at nucleotide position 2861. The lysine at codon 954 is replaced by arginine, an amino acid with highly similar properties. This variant was reported in a cohort of patients with an autism spectrum disorder (Bahl S et al. Mol Autism, 2013 Mar;4:5). This amino acid position is not well conserved in available vertebrate species, and arginine is the reference amino acid in other vertebrate species. In addition, the in silico prediction for this alteration is inconclusive. Since supporting evidence is limited at this time, the clinical significance of this alteration remains unclear.

Quest Diagnostics Nichols Institute San Juan Capistrano
Classification: Uncertain significance. Last evaluated: 2024-06-26. Review status: criteria provided, single submitter. Criteria: Quest Diagnostics criteria. Collection method: clinical testing. Allele origin: unknown.

Tuberous sclerosis database (TSC2)
No classification provided. Condition: ASD. Review status: no classification provided. Criteria: Tuberous Sclerosis Database Assertion Criteria 2015. Collection method: curation. Allele origin: germline. Affected: yes. Not counted in ClinVar's aggregate classification.

Literature cited by the submitters: PubMed 23514105 (cited by 3 submitters); PubMed 26703369 (cited by Quest Diagnostics Nichols Institute San Juan Capistrano).